The following is an entry in ClinVar:

NM_013291.3(CPSF1):c.4146-7_4146-6del

Gene: CPSF1 (cleavage and polyadenylation specific factor 1; minus strand). Cytogenetic location: 8q24.3.
Variant type: Deletion.
Coding change: c.4146-7_4146-6del on transcript NM_013291.3 (MANE Select); 7 bases into the intron before coding-DNA position 4146 through 6 bases into the intron before coding-DNA position 4146, 2 bases deleted (GC; older notation c.4146-7_4146-6delGC).
Molecular consequence: intron variant.
Genome position (GRCh38, 1-based): chr8:144,393,596-144,393,597, GC deleted on the plus strand (GC on the coding strand, the reverse complement: CPSF1 is on the minus strand); deleting any 2 consecutive bases within chr8:144,393,596-144,393,598 gives the same sequence; the c. name uses the placement nearest the transcript's 3' end. VCF-style (leftmost placement, unchanged base first): chr8-144393595-GGC-G. GRCh37 (hg19) VCF-style: chr8-145618810-GGC-G.
Identifiers: ClinVar variation 3046823 (VCV003046823.2), dbSNP rs781945735, ClinGen allele CA4939229.

ClinVar aggregate classification (germline): Likely benign (0 of 4 stars; one submission).

Conditions:
CPSF1-related disorder. Also called: CPSF1-related condition.

Submission:

PreventionGenetics, part of Exact Sciences
Classification: Likely benign for CPSF1-related condition. Last evaluated: 2023-04-10. Review status: no assertion criteria provided. Collection method: clinical testing. Allele origin: germline.
Comment: This variant is classified as likely benign based on ACMG/AMP sequence variant interpretation guidelines (Richards et al. 2015 PMID: 25741868, with internal and published modifications).